The following is an entry in ClinVar:

NM_144988.4(ALG14):c.136+2T>C

Genes: ALG14 (ALG14 UDP-N-acetylglucosaminyltransferase subunit; minus strand), LOC129930989 (ATAC-STARR-seq lymphoblastoid active region 1353; plus strand). Cytogenetic location: 1p21.3.
Variant type: single nucleotide variant.
Coding change: c.136+2T>C on transcript NM_144988.4 (MANE Select); the canonical splice donor site of the intron after coding-DNA position 136, T replaced by C.
Molecular consequence: splice donor variant.
Genome position (GRCh38, 1-based): chr1:95,072,761, A>G on the plus strand (T>C on the coding strand, the complement: ALG14 is on the minus strand). VCF-style: chr1-95072761-A-G. GRCh37 (hg19) VCF-style: chr1-95538317-A-G.
Other names: c.136+2T>C (NM_001305242.2).
Identifiers: ClinVar variation 3706615 (VCV003706615.2).

ClinVar aggregate classification (germline): Uncertain significance (1 of 4 stars; one submission).

Conditions:
Congenital myasthenic syndrome 15. Also called: Myasthenic syndrome, congenital, 15, without tubular aggregates. Identifiers: Orphanet 353327, Orphanet 590, MedGen C4015596, MONDO:0014542, OMIM 616227.

Submission:

Labcorp Genetics (formerly Invitae), Labcorp
Classification: Uncertain significance for Congenital myasthenic syndrome 15. Last evaluated: 2024-05-23. Review status: criteria provided, single submitter. Criteria: Invitae Variant Classification Sherloc (09022015). Collection method: clinical testing. Allele origin: germline.
Comment: This sequence change affects a donor splice site in intron 1 of the ALG14 gene. It is expected to disrupt RNA splicing. Variants that disrupt the donor or acceptor splice site typically lead to a loss of protein function (PMID: 16199547), however the current clinical and genetic evidence is not sufficient to establish whether loss-of-function variants in ALG14 cause disease. This variant is not present in population databases (gnomAD no frequency). This variant has not been reported in the literature in individuals affected with ALG14-related conditions. Algorithms developed to predict the effect of sequence changes on RNA splicing suggest that this variant may disrupt the consensus splice site. In summary, the available evidence is currently insufficient to determine the role of this variant in disease. Therefore, it has been classified as a Variant of Uncertain Significance.

Literature cited by the submitters: PubMed 16199547.